The following is an entry in ClinVar:

ClinVar aggregate classification (germline): Uncertain significance (1 of 4 stars; one submission).

Conditions:
Nemaline myopathy 2 (NEM2). Also called: Nemaline myopathy 2, autosomal recessive. Identifiers: MedGen C1850569, MONDO:0009725, OMIM 256030.

Submission:

Labcorp Genetics (formerly Invitae), Labcorp
Classification: Uncertain significance for Nemaline myopathy 2. Last evaluated: 2022-07-24. Review status: criteria provided, single submitter. Criteria: Invitae Variant Classification Sherloc (09022015). Collection method: clinical testing. Allele origin: germline.
Comment: This sequence change replaces serine, which is neutral and polar, with glycine, which is neutral and non-polar, at codon 1348 of the NEB protein (p.Ser1348Gly). This variant is not present in population databases (gnomAD no frequency). In summary, the available evidence is currently insufficient to determine the role of this variant in disease. Therefore, it has been classified as a Variant of Uncertain Significance. Algorithms developed to predict the effect of missense changes on protein structure and function are either unavailable or do not agree on the potential impact of this missense change (SIFT: "Deleterious"; PolyPhen-2: "Not Available"; Align-GVGD: "Class C0"). This variant has not been reported in the literature in individuals affected with NEB-related conditions.

NM_001164508.2(NEB):c.4042A>G (p.Ser1348Gly)

Gene: NEB (nebulin; minus strand). Cytogenetic location: 2q23.3.
Variant type: single nucleotide variant.
Coding change: c.4042A>G on transcript NM_001164508.2 (MANE Select); coding-DNA position 4042, A replaced by G.
Protein change: p.Ser1348Gly; replaces serine 1348 with glycine.
Molecular consequence: missense variant.
Genome position (GRCh38, 1-based): chr2:151,672,626, T>C on the plus strand (A>G on the coding strand, the complement: NEB is on the minus strand). VCF-style: chr2-151672626-T-C. GRCh37 (hg19) VCF-style: chr2-152529140-T-C.
Other names: c.4042A>G, p.Ser1348Gly (NM_001164507.2, NM_001271208.2, NM_004543.5); short protein forms S1348G.
Identifiers: ClinVar variation 1713642 (VCV001713642.5), dbSNP rs2552260685, ClinGen allele CA348817075.